The following is an entry in ClinVar:

NM_032737.4(LMNB2):c.335G>A (p.Arg112Gln)

Gene: LMNB2 (lamin B2; minus strand). Cytogenetic location: 19p13.3.
Variant type: single nucleotide variant.
Coding change: c.335G>A on transcript NM_032737.4 (MANE Select); coding-DNA position 335, G replaced by A.
Protein change: p.Arg112Gln; replaces arginine 112 with glutamine.
Molecular consequence: missense variant.
Genome position (GRCh38, 1-based): chr19:2,444,470, C>T on the plus strand (G>A on the coding strand, the complement: LMNB2 is on the minus strand). VCF-style: chr19-2444470-C-T. GRCh37 (hg19) VCF-style: chr19-2444468-C-T.
Other names: short protein forms R112Q.
Identifiers: ClinVar variation 1010809 (VCV001010809.9), dbSNP rs367966814, ClinGen allele CA9067936.

ClinVar aggregate classification (germline): Uncertain significance (1 of 4 stars; one submission).

Conditions:
Progressive myoclonic epilepsy type 9. Identifiers: Orphanet 457265, MedGen C4225289, MONDO:0014685, OMIM 616540.
Lipodystrophy, partial, acquired, susceptibility to (APLD). Also called: APLD, SUSCEPTIBILITY TO. Identifiers: MedGen C3887501, MONDO:0100476, OMIM 608709.

Allele frequency attached by ClinVar (database versions not stated): ExAC 0.00001; gnomAD 0.00002; gnomAD exomes 0.00002; TOPMed 0.00003; ESP Exome Variant Server 0.00008.

Submission:

Labcorp Genetics (formerly Invitae), Labcorp
Classification: Uncertain significance for Progressive myoclonic epilepsy type 9; Lipodystrophy, partial, acquired, susceptibility to. Last evaluated: 2020-08-20. Review status: criteria provided, single submitter. Criteria: Invitae Variant Classification Sherloc (09022015). Collection method: clinical testing. Allele origin: germline.
Comment: Algorithms developed to predict the effect of missense changes on protein structure and function are either unavailable or do not agree on the potential impact of this missense change (SIFT: "Deleterious"; PolyPhen-2: "Possibly Damaging"; Align-GVGD: "Class C0"). In summary, the available evidence is currently insufficient to determine the role of this variant in disease. Therefore, it has been classified as a Variant of Uncertain Significance. This variant has not been reported in the literature in individuals with LMNB2-related conditions. This variant is present in population databases (rs367966814, ExAC 0.002%). This sequence change replaces arginine with glutamine at codon 112 of the LMNB2 protein (p.Arg112Gln). The arginine residue is highly conserved and there is a small physicochemical difference between arginine and glutamine.